The following is an entry in ClinVar:

NM_145290.4(ADGRA3):c.1444-3T>G

Gene: ADGRA3 (adhesion G protein-coupled receptor A3; minus strand). Cytogenetic location: 4p15.2.
Variant type: single nucleotide variant.
Coding change: c.1444-3T>G on transcript NM_145290.4 (MANE Select); 3 bases into the intron before coding-DNA position 1444, T replaced by G.
Molecular consequence: intron variant.
Genome position (GRCh38, 1-based): chr4:22,424,355, A>C on the plus strand (T>G on the coding strand, the complement: ADGRA3 is on the minus strand). VCF-style: chr4-22424355-A-C. GRCh37 (hg19) VCF-style: chr4-22425978-A-C.
Identifiers: ClinVar variation 1942685 (VCV001942685.5), dbSNP rs2109041695, ClinGen allele CA2580070916.

ClinVar aggregate classification (germline): Uncertain significance (1 of 4 stars; one submission).

Submission:

Labcorp Genetics (formerly Invitae), Labcorp
Classification: Uncertain significance. Last evaluated: 2022-07-18. Review status: criteria provided, single submitter. Criteria: Invitae Variant Classification Sherloc (09022015). Collection method: clinical testing. Allele origin: germline.
Comment: This sequence change falls in intron 10 of the ADGRA3 gene. It does not directly change the encoded amino acid sequence of the ADGRA3 protein. It affects a nucleotide within the consensus splice site. This variant is not present in population databases (gnomAD no frequency). This variant has not been reported in the literature in individuals affected with ADGRA3-related conditions. Variants that disrupt the consensus splice site are a relatively common cause of aberrant splicing (PMID: 17576681, 9536098). Algorithms developed to predict the effect of sequence changes on RNA splicing suggest that this variant may disrupt the consensus splice site. In summary, the available evidence is currently insufficient to determine the role of this variant in disease. Therefore, it has been classified as a Variant of Uncertain Significance.

Literature cited by the submitters: PubMed 17576681; PubMed 9536098.